The following is an entry in ClinVar:

NM_001164760.2(PRKAR1B):c.1068G>C (p.Glu356Asp)

Gene: PRKAR1B (protein kinase cAMP-dependent type I regulatory subunit beta; minus strand). Cytogenetic location: 7p22.3.
Variant type: single nucleotide variant.
Coding change: c.1068G>C on transcript NM_001164760.2 (MANE Select); coding-DNA position 1068, G replaced by C.
Protein change: p.Glu356Asp; replaces glutamic acid 356 with aspartic acid.
Molecular consequence: missense variant.
Genome position (GRCh38, 1-based): chr7:550,508, C>G on the plus strand (G>C on the coding strand, the complement: PRKAR1B is on the minus strand). VCF-style: chr7-550508-C-G. GRCh37 (hg19) VCF-style: chr7-590145-C-G.
Other names: c.1068G>C, p.Glu356Asp (NM_001164758.2, NM_001164759.1, NM_001164761.2 and 2 more transcripts); short protein forms E356D.
Identifiers: ClinVar variation 5008022 (VCV005008022.1).

ClinVar aggregate classification (germline): Uncertain significance (1 of 4 stars; one submission).

Submission:

GeneDx
Classification: Uncertain significance. Last evaluated: 2026-02-26. Review status: criteria provided, single submitter. Criteria: GeneDx Variant Classification Process June 2021. Collection method: clinical testing. Allele origin: germline.
Comment: Not observed at significant frequency in large population cohorts (gnomAD); In silico analysis suggests that this missense variant does not alter protein structure/function; Has not been previously published as pathogenic or benign to our knowledge